The following is an entry in ClinVar:

NM_145045.5(ODAD3):c.118C>T (p.Arg40Ter)

Gene: ODAD3 (outer dynein arm docking complex subunit 3; minus strand). Cytogenetic location: 19p13.2.
Variant type: single nucleotide variant.
Coding change: c.118C>T on transcript NM_145045.5 (MANE Select); coding-DNA position 118, C replaced by T.
Protein change: p.Arg40Ter; replaces arginine 40 with a stop codon.
Molecular consequence: nonsense. On other transcripts: intron variant (1).
Genome position (GRCh38, 1-based): chr19:11,434,899, G>A on the plus strand (C>T on the coding strand, the complement: ODAD3 is on the minus strand). VCF-style: chr19-11434899-G-A. GRCh37 (hg19) VCF-style: chr19-11545720-G-A.
Other names: c.118C>T, p.Arg40Ter (NM_001302454.2); c.82+791C>T (NM_001302453.1); short protein forms R40*.
Identifiers: ClinVar variation 2733122 (VCV002733122.3), dbSNP rs1437321108, ClinGen allele CA404128422.

ClinVar aggregate classification (germline): Pathogenic (1 of 4 stars; one submission).

Conditions:
Primary ciliary dyskinesia 30. Also called: CILIARY DYSKINESIA, PRIMARY, 30, WITH OR WITHOUT SITUS INVERSUS. Identifiers: Orphanet 244, MedGen C4015016, MONDO:0014465, OMIM 616037.

Submission:

Labcorp Genetics (formerly Invitae), Labcorp
Classification: Pathogenic for Primary ciliary dyskinesia 30. Last evaluated: 2025-06-08. Review status: criteria provided, single submitter. Criteria: Invitae Variant Classification Sherloc (09022015). Collection method: clinical testing. Allele origin: germline.
Comment: This sequence change creates a premature translational stop signal (p.Arg40*) in the CCDC151 gene. It is expected to result in an absent or disrupted protein product. Loss-of-function variants in CCDC151 are known to be pathogenic (PMID: 25192045). This variant is not present in population databases (gnomAD no frequency). This variant has not been reported in the literature in individuals affected with CCDC151-related conditions. ClinVar contains an entry for this variant (Variation ID: 2733122). For these reasons, this variant has been classified as Pathogenic.

Literature cited by the submitters: PubMed 25192045.